The following is an entry in ClinVar:

ClinVar aggregate classification (germline): Uncertain significance (1 of 4 stars; one submission).

Submission:

GeneDx
Classification: Uncertain significance. Last evaluated: 2022-09-15. Review status: criteria provided, single submitter. Criteria: GeneDx Variant Classification Process June 2021. Collection method: clinical testing. Allele origin: germline. Affected: yes.
Comment: Not observed at significant frequency in large population cohorts (gnomAD); In silico analysis supports that this missense variant has a deleterious effect on protein structure/function; Has not been previously published as pathogenic or benign to our knowledge

NM_052867.4(NALCN):c.3686T>C (p.Val1229Ala)

Gene: NALCN (sodium leak channel, non-selective; minus strand). Cytogenetic location: 13q32.3.
Variant type: single nucleotide variant.
Coding change: c.3686T>C on transcript NM_052867.4 (MANE Select); coding-DNA position 3686, T replaced by C.
Protein change: p.Val1229Ala; replaces valine 1229 with alanine.
Molecular consequence: missense variant.
Genome position (GRCh38, 1-based): chr13:101,083,096, A>G on the plus strand (T>C on the coding strand, the complement: NALCN is on the minus strand). VCF-style: chr13-101083096-A-G. GRCh37 (hg19) VCF-style: chr13-101735447-A-G.
Other names: c.3773T>C, p.Val1258Ala (NM_001350748.2); c.3686T>C, p.Val1229Ala (NM_001350749.2); c.3599T>C, p.Val1200Ala (NM_001350750.2, NM_001350751.2); short protein forms V1200A, V1229A, V1258A.
Identifiers: ClinVar variation 2444756 (VCV002444756.1), dbSNP rs2501990470, ClinGen allele CA388651259.
Genomic context (GRCh38, chr13:101,083,096, plus strand): 5'-GGATGTAGCAGTGAATACAAAATTCATTCCCGGAGTCTTAGGGTGAAACGAAGTACCTTG[A>G]CAGAGAGCAACACCGACTGGGCCAGGACGAGTAATGCGATTGTCCTCTTAAAAAATGGAT-3'
Protein context (NP_443099.1, residues 1219-1239): LVLAQSVLLS[Val1229Ala]KWDVEDPVTV